The following is an entry in ClinVar:

NM_013275.6(ANKRD11):c.1819A>T (p.Lys607Ter)

Gene: ANKRD11 (ankyrin repeat domain 11; minus strand). Cytogenetic location: 16q24.3.
Variant type: single nucleotide variant.
Coding change: c.1819A>T on transcript NM_013275.6 (MANE Select); coding-DNA position 1819, A replaced by T.
Protein change: p.Lys607Ter; replaces lysine 607 with a stop codon.
Molecular consequence: nonsense.
Genome position (GRCh38, 1-based): chr16:89,284,723, T>A on the plus strand (A>T on the coding strand, the complement: ANKRD11 is on the minus strand). VCF-style: chr16-89284723-T-A. GRCh37 (hg19) VCF-style: chr16-89351131-T-A.
Other names: c.1819A>T, p.Lys607Ter (NM_001256182.2, NM_001256183.2); short protein forms K607*.
Identifiers: ClinVar variation 4531628 (VCV004531628.1).
Genomic context (GRCh38, chr16:89,284,723, plus strand): 5'-TCCCCTCCTTGTCCAGTTTGGGGACAGCGCCCTCCGCGCTGGACAGGAAGGGGCTCTTCT[T>A]CTCCGACAGGGAGGCTCGCTTCCTGTGCTCCTGCCTCTTCCTCACTGGCTTCAGCGATTC-3'

ClinVar aggregate classification (germline): Pathogenic (1 of 4 stars; one submission).

Conditions:
KBG syndrome (KBGS). Also called: ANKRD11-Related KBG Syndrome. Identifiers: Orphanet 2332, MedGen C0220687, MONDO:0007846, OMIM 148050.

Submission:

Victorian Clinical Genetics Services, Murdoch Childrens Research Institute
Classification: Pathogenic for KBG syndrome. Last evaluated: 2025-03-11. Review status: criteria provided, single submitter. Criteria: ACMG Guidelines, 2015. Collection method: clinical testing. Allele origin: germline. Affected: no.
Comment: This variant is classified as Pathogenic. Evidence in support of pathogenic classification: Variant is predicted to cause nonsense-mediated decay (NMD) and loss of protein (premature termination codon is located at least 54 nucleotides upstream of the final exon-exon junction); Variant is absent from gnomAD (v2, v3 and v4); Other NMD-predicted variant(s) comparable to the one identified in this case have very strong previous evidence for pathogenicity (DECIPHER). Additional information: This gene is associated with autosomal dominant disease; This variant has no previous evidence of pathogenicity; No published segregation evidence has been identified for this variant; No published functional evidence has been identified for this variant; Loss of function is a known mechanism of disease in this gene and is associated with KBG syndrome (MIM#148050); Variants in this gene are known to have variable expressivity. Intrafamilial variability is commonly reported (PMID: 29258554).

Literature cited by the submitters: PubMed 29258554.